The following is an entry in ClinVar:

NM_001378183.1(PIEZO2):c.1544A>G (p.Tyr515Cys)

Gene: PIEZO2 (piezo type mechanosensitive ion channel component 2; minus strand). Cytogenetic location: 18p11.22.
Variant type: single nucleotide variant.
Coding change: c.1544A>G on transcript NM_001378183.1 (MANE Select); coding-DNA position 1544, A replaced by G.
Protein change: p.Tyr515Cys; replaces tyrosine 515 with cysteine.
Molecular consequence: missense variant.
Genome position (GRCh38, 1-based): chr18:10,794,986, T>C on the plus strand (A>G on the coding strand, the complement: PIEZO2 is on the minus strand). VCF-style: chr18-10794986-T-C. GRCh37 (hg19) VCF-style: chr18-10794984-T-C.
Other names: c.1544A>G, p.Tyr515Cys (NM_001410871.1, NM_022068.4); short protein forms Y515C.
Identifiers: ClinVar variation 4989333 (VCV004989333.1).

ClinVar aggregate classification (germline): Uncertain significance (1 of 4 stars; one submission).

Conditions:
PIEZO2-related disorder. Also called: PIEZO2-related disorders; PIEZO2-related condition.

gnomAD v4.1: 7 of 1,547,956 alleles (0.00045%); highest among the groups gnomAD compares: South Asian, 0.0024%; no homozygotes.

Submission:

PreventionGenetics, part of Exact Sciences
Classification: Uncertain significance for PIEZO2-related condition. Last evaluated: 2025-04-16. Review status: criteria provided, single submitter. Criteria: ACMG Guidelines, 2015. Collection method: clinical testing. Allele origin: germline.
Comment: The PIEZO2 c.1544A>G variant is predicted to result in the amino acid substitution p.Tyr515Cys. To our knowledge, this variant has not been reported in the literature. This variant is reported in 0.0044% of alleles in individuals of South Asian descent in gnomAD. At this time, the clinical significance of this variant is uncertain due to the absence of conclusive functional and genetic evidence.